The following is an entry in ClinVar:

NM_001363.5(DKC1):c.-142C>G

Genes: DKC1 (dyskerin pseudouridine synthase 1; plus strand), LOC130068886 (ATAC-STARR-seq lymphoblastoid silent region 21118; plus strand). Cytogenetic location: Xq28.
Variant type: single nucleotide variant.
Coding change: c.-142C>G on transcript NM_001363.5 (MANE Select); 142 bases upstream of the start codon, C replaced by G.
Genome position (GRCh38, 1-based): chrX:154,762,824, C>G. VCF-style: chrX-154762824-C-G. GRCh37 (hg19) VCF-style: chrX-153991099-C-G.
Other names: -141C-G, PROMOTER; c.-142C>G (NM_001363.3, NM_001288747.1).
Identifiers: ClinVar variation 38944 (VCV000038944.57), dbSNP rs199422241, ClinGen allele CA343231.
Genomic context (GRCh38, chrX:154,762,824, plus strand): 5'-GCATTGCGCAGACGACCAGCGGGCGCCTCGGATTCCGCCCCCGGGATGGCCCCGCCTCCT[C>G]CCGCCCCGCGGCAAGGCACGCACAGGGCAGTGCGCGGGTGGGTGGGTCCTAGCAGCGCGG-3'

ClinVar aggregate classification (germline): Conflicting classifications of pathogenicity. Review status: criteria provided, conflicting classifications (1 of 4 stars). 16 submissions from 16 submitters: Uncertain significance (4); Benign (2); Likely benign (7). 3 of the submissions do not count toward it. Last evaluated 2026-08-01.

Conditions:
DKC1-related disorder. Also called: DKC1-related condition. Identifiers: MedGen CN294808, MONDO:0100152.
Dyskeratosis congenita. Identifiers: Orphanet 1775, MedGen C0265965, MONDO:0015780.
Dyskeratosis congenita, X-linked (DKCX). Also called: Zinsser-Cole-Engman Syndrome. Identifiers: MedGen C1148551, MONDO:0010584, OMIM 305000.

Allele frequency attached by ClinVar (database versions not stated): 1000 Genomes Project 0.00026; 1000 Genomes Project 30x 0.00021; gnomAD 0.00227 and 0.00229; TOPMed 0.00250.

Submissions (16):

CeGaT Center for Human Genetics Tuebingen
Classification: Benign. Last evaluated: 2026-08-01. Review status: criteria provided, single submitter. Criteria: CeGaT Center For Human Genetics Tuebingen Variant Classification Criteria Version 2. Collection method: clinical testing. Allele origin: germline. Affected: yes. Observed: 16 variant alleles.
Comment: DKC1: BS1, BS2

Labcorp Genetics (formerly Invitae), Labcorp
Classification: Likely benign for Dyskeratosis congenita. Last evaluated: 2025-08-03. Review status: criteria provided, single submitter. Criteria: Invitae Variant Classification Sherloc (09022015). Collection method: clinical testing. Allele origin: germline.

Laboratory of Genetics, Children's Clinical University Hospital Latvia
Classification: Likely benign. Last evaluated: 2025-02-16. Review status: criteria provided, single submitter. Criteria: ACMG Guidelines, 2015. Collection method: clinical testing. Allele origin: germline. Affected: yes.

Blueprint Genetics
Classification: Likely benign. Last evaluated: 2024-11-20. Review status: criteria provided, single submitter. Criteria: ACMG Guidelines, 2015. Collection method: clinical testing. Allele origin: germline.

Mayo Clinic Laboratories, Mayo Clinic
Classification: Uncertain significance. Last evaluated: 2024-05-13. Review status: criteria provided, single submitter. Criteria: ACMG Guidelines, 2015. Collection method: clinical testing. Allele origin: germline. Observed: 1 variant allele.
Comment: BS1, BS2, BP4, BP7, PS3_supporting

GeneDx
Classification: Likely benign. Last evaluated: 2024-01-23. Review status: criteria provided, single submitter. Criteria: GeneDx Variant Classification Process June 2021. Collection method: clinical testing. Allele origin: germline. Affected: yes.
Comment: See Variant Classification Assertion Criteria.

Daryl Scott Lab, Baylor College of Medicine
Classification: Likely benign for Dyskeratosis congenita, X-linked. Last evaluated: 2023-12-08. Review status: criteria provided, single submitter. Criteria: ACMG Guidelines, 2015. Collection method: clinical testing. Allele origin: unknown. Observed: 1 variant allele.
Comment: - This variant has been reported in individuals with dyskeratosis congenita (PMID: 11379875, 32426895), aplastic anemia (PMID: 27418648), immunodeficiency (PMID: 32166868) and in patients with osteosarcoma (PMID: 32191290). – not specific enough. - This variant has been observed in gnomADv4 with a frequency of 0.35% (715 hemizygotes, 1 homozygote). – meeting BA1. - Functional studies suggest that this variant results in shortened telomere length by flow cytometry (PMID: 32166868). This variant is found in the untranslated region (5' UTR). This promoter region (c.-143 to -c.134) contains a canonical transcription binding site of the DKC1 gene (PMID: 10592259). In vitro transcriptional activation studies show that this variant reduces the promoter activity (PMID 12137939). – PS3 but not strong enough. We now agree that this variant should be called likely benign mainly due to the most recent gnomAD v4 frequency being too high to cause disease. The criteria met is BA1, PS3_supporting.

Sema4
Classification: Benign for Dyskeratosis congenita. Last evaluated: 2020-12-17. Review status: criteria provided, single submitter. Criteria: Sema4 Curation Guidelines. Collection method: curation. Allele origin: germline.

Illumina Laboratory Services, Illumina
Classification: Uncertain significance for Dyskeratosis congenita, X-linked. Last evaluated: 2019-05-01. Review status: criteria provided, single submitter. Criteria: ICSLVariantClassificationCriteria RUGD 01 April 2020. Collection method: clinical testing. Allele origin: unknown.
Comment: The DKC1 c.-142C>G variant occurs in the 5â€™ untranslated region and has been reported in two studies in which it was identified in three total hemizygotes and one heterozygous carrier (Knight et al. 2001; Keel et al. 2016). Knight et al. (2001) identified a pair of hemizygous brothers with dyskeratosis congenita who inherited the variant from their unaffected mother. A hemizygote with aplastic anemia was found by Keel et al. (2016). The variant was absent from 100 control X-chromosomes. The c.-142C>G is reported at a frequency of 0.004066 in the European (non-Finnish) population of the Genome Aggregation Database and is found in 18 hemizygotes. This allele frequency is high but may be consistent with reduced penetrance. The variant disrupts a canonical Sp1 transcription factor binding site (Knight et al. 2001) and was found to reduce promoter activity by 60% compared to Wild Type by Salowsky et al. (2002). Based on the conflicting evidence from the literature and the frequency databases, the c.-142C>G variant is classified as a variant of uncertain significance for dyskeratosis congenita.

Ambry Genetics
Classification: Uncertain significance for Dyskeratosis congenita. Last evaluated: 2018-09-24. Review status: criteria provided, single submitter. Criteria: Ambry Variant Classification Scheme 2023. Collection method: clinical testing. Allele origin: germline.
Comment: The c.-142C>G variant (also known as c.-141C>G) is located in the 5' untranslated region (5&rsquo; UTR) of the DKC1 gene. This variant results from a C to G substitution 142 bases upstream from the first translated codon. This variant was also identified in another individual with severe clinical features of dyskeratosis congenita, whose hematopoietic progenitor cells had reduced DKC1 expression (Bellodi C et al. Cell Rep, 2013 May;3:1493-502). An in vitro functional study found that this variant reduced promoter activity to 60% of wild type (Salowsky R et al. Gene, 2002 Jun;293:9-19). However, this variant did not co-segregate with disease in multiple males tested in our laboratory. In addition, based on data from gnomAD, the G allele has an overall frequency of approximately 0.2% (46/21778) total alleles studied, and it was detected in 16 hemizygous individuals. This nucleotide position is not well conserved in available vertebrate species on limited alignment. Since supporting evidence is conflicting at this time, the clinical significance of this alteration remains unclear.

Genetic Services Laboratory, University of Chicago
Classification: Uncertain significance. Last evaluated: 2017-04-25. Review status: criteria provided, single submitter. Criteria: ACMG Guidelines, 2015. Collection method: clinical testing. Allele origin: germline. Affected: no.

Center for Pediatric Genomic Medicine, Children's Mercy Hospital and Clinics
Classification: Likely benign. Last evaluated: 2016-10-03. Review status: criteria provided, single submitter. Criteria: ACMG Guidelines, 2015. Collection method: clinical testing. Allele origin: germline.
ClinVar note: Converted during submission from Likely Benign to Likely benign.

Baylor Genetics
Classification: Likely benign for Dyskeratosis congenita, X-linked. Review status: criteria provided, single submitter. Criteria: ACMG Guidelines, 2015. Collection method: clinical testing. Allele origin: unknown.

PreventionGenetics, part of Exact Sciences
Classification: Likely benign for DKC1-related condition. Last evaluated: 2024-03-21. Review status: no assertion criteria provided. Collection method: clinical testing. Allele origin: germline. Not counted in ClinVar's aggregate classification.
Comment: This variant is classified as likely benign based on ACMG/AMP sequence variant interpretation guidelines (Richards et al. 2015 PMID: 25741868, with internal and published modifications).

GeneReviews
Classification: Pathogenic for Dyskeratosis Congenita. Last evaluated: 2012-05-10. Review status: no assertion criteria provided. Collection method: curation. Allele origin: unknown. Not counted in ClinVar's aggregate classification.
ClinVar note: Converted during submission from pathologic to Pathogenic.

OMIM
Classification: Pathogenic for DYSKERATOSIS CONGENITA, X-LINKED. Last evaluated: 2002-06-26. Review status: no assertion criteria provided. Collection method: literature only. Allele origin: germline. Not counted in ClinVar's aggregate classification.

Literature cited by the submitters: PubMed 11379875 (cited by 4 submitters); PubMed 12137939 (cited by 3 submitters); PubMed 32166868 (cited by Mayo Clinic Laboratories, Mayo Clinic); PubMed 32426895 (cited by Mayo Clinic Laboratories, Mayo Clinic); PubMed 32463623 (cited by Mayo Clinic Laboratories, Mayo Clinic); PubMed 33461977 (cited by Mayo Clinic Laboratories, Mayo Clinic and Daryl Scott Lab, Baylor College of Medicine); PubMed 33921653 (cited by Mayo Clinic Laboratories, Mayo Clinic); PubMed 27418648 (cited by Illumina Laboratory Services, Illumina and Ambry Genetics); PubMed 11054058 (cited by Ambry Genetics); PubMed 19003239 (cited by Ambry Genetics); PubMed 23707062 (cited by Ambry Genetics); PubMed 25326635 (cited by Baylor Genetics).